The following is an entry in ClinVar:

NM_004260.4(RECQL4):c.1927A>C (p.Thr643Pro)

Gene: RECQL4 (RecQ like helicase 4; minus strand). Cytogenetic location: 8q24.3.
Variant type: single nucleotide variant.
Coding change: c.1927A>C on transcript NM_004260.4 (MANE Select); coding-DNA position 1927, A replaced by C.
Protein change: p.Thr643Pro; replaces threonine 643 with proline.
Molecular consequence: missense variant. On other transcripts: non-coding transcript variant (3).
Genome position (GRCh38, 1-based): chr8:144,514,059, T>G on the plus strand (A>C on the coding strand, the complement: RECQL4 is on the minus strand). VCF-style: chr8-144514059-T-G. GRCh37 (hg19) VCF-style: chr8-145739443-T-G.
Other names: c.856A>C, p.Thr286Pro (NM_001413038.1, NM_001413040.1, NM_001413034.1 and 6 more transcripts); c.1897A>C, p.Thr633Pro (NM_001413039.1); c.790A>C, p.Thr264Pro (NM_001413041.1, NM_001413030.1, NM_001413032.1 and 1 more transcripts); c.826A>C, p.Thr276Pro (NM_001413042.1); c.460A>C, p.Thr154Pro (NM_001413043.1); c.1576A>C, p.Thr526Pro (NM_001413029.1); c.658A>C, p.Thr220Pro (NM_001413031.1); c.1795A>C, p.Thr599Pro (NM_001413033.1); and 4 more; short protein forms T220P, T286P, T599P, T611P, T264P, T526P, T154P, T242P.
Identifiers: ClinVar variation 4628986 (VCV004628986.1).

ClinVar aggregate classification (germline): Uncertain significance (1 of 4 stars; one submission).

Conditions:
Inborn genetic diseases. Identifiers: MedGen C0950123, MeSH D030342.

gnomAD v4.1: 1 of 1,586,708 alleles (0.000063%); highest among the groups gnomAD compares: South Asian, 0.0011%; no homozygotes.

Submission:

Ambry Genetics
Classification: Uncertain significance for Inborn genetic diseases. Last evaluated: 2025-12-01. Review status: criteria provided, single submitter. Criteria: Ambry Variant Classification Scheme 2023. Collection method: clinical testing. Allele origin: germline.
Comment: The p.T643P variant (also known as c.1927A>C), located in coding exon 12 of the RECQL4 gene, results from an A to C substitution at nucleotide position 1927. The threonine at codon 643 is replaced by proline, an amino acid with highly similar properties. This amino acid position is conserved. In addition, this alteration is predicted to be deleterious by in silico analysis. Based on the available evidence, the clinical significance of this variant remains unclear.